The following is an entry in ClinVar:

NM_198525.3(KIF7):c.3379C>G (p.Gln1127Glu)

Genes: KIF7 (kinesin family member 7; minus strand), LOC126862216 (BRD4-independent group 4 enhancer GRCh37_chr15:90171995-90173194; plus strand). Cytogenetic location: 15q26.1.
Variant type: single nucleotide variant.
Coding change: c.3379C>G on transcript NM_198525.3 (MANE Select); coding-DNA position 3379, C replaced by G.
Protein change: p.Gln1127Glu; replaces glutamine 1127 with glutamic acid.
Molecular consequence: missense variant.
Genome position (GRCh38, 1-based): chr15:89,629,513, G>C on the plus strand (C>G on the coding strand, the complement: KIF7 is on the minus strand). VCF-style: chr15-89629513-G-C. GRCh37 (hg19) VCF-style: chr15-90172744-G-C.
Other names: short protein forms Q1127E.
Identifiers: ClinVar variation 2416909 (VCV002416909.7), dbSNP rs774024440, ClinGen allele CA7727723.
Genomic context (GRCh38, chr15:89,629,513, plus strand): 5'-GGCGCTGCCGCTCCAGGGCCACCTCCAGCCAGTACACCAGCCTCTGCTGCTCCTCCAGCT[G>C]CATCTCCAGTTCCGAGAAGGCAATCTGCTGCTGGTGCTGCTCCTCTCGGAGCGTCACCAC-3'
Protein context (NP_940927.2, residues 1117-1137): QQIAFSELEM[Gln1127Glu]LEEQQRLVYW

ClinVar aggregate classification (germline): Uncertain significance (1 of 4 stars; one submission).

Conditions:
Acrocallosal syndrome (ACLS). Also called: HALLUX DUPLICATION, POSTAXIAL POLYDACTYLY, AND ABSENCE OF CORPUS CALLOSUM; Schinzel syndrome 1; Absence of corpus callosum with unusual facial appearance, mental deficiency, duplication of the halluces and polydactyly. Identifiers: Orphanet 36, MedGen C0796147, MONDO:0008708, OMIM 200990.

gnomAD v4.1: 7 of 1,610,982 alleles (0.00043%); highest among the groups gnomAD compares: Non-Finnish European, 0.00034%; no homozygotes.

Submission:

Labcorp Genetics (formerly Invitae), Labcorp
Classification: Uncertain significance for Acrocallosal syndrome. Last evaluated: 2023-08-10. Review status: criteria provided, single submitter. Criteria: Invitae Variant Classification Sherloc (09022015). Collection method: clinical testing. Allele origin: germline.
Comment: This variant has not been reported in the literature in individuals affected with KIF7-related conditions. This variant is present in population databases (rs774024440, gnomAD 0.002%). This sequence change replaces glutamine, which is neutral and polar, with glutamic acid, which is acidic and polar, at codon 1127 of the KIF7 protein (p.Gln1127Glu). In summary, the available evidence is currently insufficient to determine the role of this variant in disease. Therefore, it has been classified as a Variant of Uncertain Significance. Advanced modeling of protein sequence and biophysical properties (such as structural, functional, and spatial information, amino acid conservation, physicochemical variation, residue mobility, and thermodynamic stability) performed at Invitae indicates that this missense variant is not expected to disrupt KIF7 protein function. ClinVar contains an entry for this variant (Variation ID: 2416909).